The following is an entry in ClinVar:

ClinVar aggregate classification (germline): Uncertain significance (1 of 4 stars; one submission).

Conditions:
VPS13B-related disorder. Also called: VPS13B-related condition.

Submission:

PreventionGenetics, part of Exact Sciences
Classification: Uncertain significance for VPS13B-related condition. Last evaluated: 2026-06-04. Review status: criteria provided, single submitter. Criteria: ACMG Guidelines, 2015. Collection method: clinical testing. Allele origin: germline.
Comment: The VPS13B c.11939T>C variant is predicted to result in the amino acid substitution p.Phe3980Ser. To our knowledge, this variant has not been reported in the literature or in a large population database (gnomAD), indicating this variant is rare. At this time, the clinical significance of this variant is uncertain due to the absence of conclusive functional and genetic evidence.

NM_152564.5(VPS13B):c.11939T>C (p.Phe3980Ser)

Gene: VPS13B (vacuolar protein sorting 13 homolog B; plus strand). Cytogenetic location: 8q22.2.
Variant type: single nucleotide variant.
Coding change: c.11939T>C on transcript NM_152564.5 (MANE Select); coding-DNA position 11939, T replaced by C.
Protein change: p.Phe3980Ser; replaces phenylalanine 3980 with serine.
Molecular consequence: missense variant.
Genome position (GRCh38, 1-based): chr8:99,875,611, T>C. VCF-style: chr8-99875611-T-C. GRCh37 (hg19) VCF-style: chr8-100887839-T-C.
Other names: c.12014T>C, p.Phe4005Ser (NM_017890.5); short protein forms F3980S, F4005S.
Identifiers: ClinVar variation 4993642 (VCV004993642.1).